The following is an entry in ClinVar:

NM_138959.3(VANGL1):c.*217C>T

Gene: VANGL1 (VANGL planar cell polarity protein 1; plus strand). Cytogenetic location: 1p13.1.
Variant type: single nucleotide variant.
Coding change: c.*217C>T on transcript NM_138959.3 (MANE Select); 217 bases downstream of the stop codon, C replaced by T.
Molecular consequence: 3 prime UTR variant.
Genome position (GRCh38, 1-based): chr1:115,691,596, C>T. VCF-style: chr1-115691596-C-T. GRCh37 (hg19) VCF-style: chr1-116234217-C-T.
Other names: c.*217C>T (NM_001172411.2, NM_001172412.2).
Identifiers: ClinVar variation 292017 (VCV000292017.6), dbSNP rs41299565, ClinGen allele CA10607718.

ClinVar aggregate classification (germline): Benign. Review status: criteria provided, multiple submitters, no conflicts (2 of 4 stars). 3 submissions from 2 submitters: Benign (3). Last evaluated 2018-01-12.

Conditions:
Sacral defect with anterior meningocele. Identifiers: MedGen C1838568, OMIM 600145.
Neural tube defect (NTD). Also called: Neural tube defects. Identifiers: Orphanet 3388, Orphanet 823, MedGen C0027794, MONDO:0018075, HP:0045005.

Allele frequency attached by ClinVar (database versions not stated): gnomAD 0.05793 and 0.05894; TOPMed 0.06052; 1000 Genomes Project 0.06669; 1000 Genomes Project 30x 0.06855.
gnomAD v4.1: 31,045 of 522,254 alleles (5.9%); highest among the groups gnomAD compares: Admixed American, 11%; 1,055 homozygotes.

Submissions (3):

Illumina Laboratory Services, Illumina
Classification: Benign for Neural tube defects, susceptibility to. Last evaluated: 2018-01-12. Review status: criteria provided, single submitter. Criteria: ICSL Variant Classification Criteria 13 December 2019. Collection method: clinical testing. Allele origin: germline.
Comment: This variant was observed in the ICSL laboratory as part of a predisposition screen in an ostensibly healthy population. It had not been previously curated by ICSL or reported in the Human Gene Mutation Database (HGMD: prior to June 1st, 2018), and was therefore a candidate for classification through an automated scoring system. Utilizing variant allele frequency, disease prevalence and penetrance estimates, and inheritance mode, an automated score was calculated to assess if this variant is too frequent to cause the disease. Based on the score and internal cut-off values, a variant classified as benign is not then subjected to further curation. The score for this variant resulted in a classification of benign for this disease.

Illumina Laboratory Services, Illumina
Classification: Benign for Sacral defect with anterior meningocele. Last evaluated: 2018-01-12. Review status: criteria provided, single submitter. Criteria: ICSL Variant Classification Criteria 13 December 2019. Collection method: clinical testing. Allele origin: germline.
Comment: the same text as in the submission from Illumina Laboratory Services, Illumina above.

Breakthrough Genomics
Classification: Benign. Review status: criteria provided, single submitter. Criteria: ACMG Guidelines, 2015. Collection method: not provided. Allele origin: germline. Inheritance: Autosomal dominant inheritance. Affected: yes.